The following is an entry in ClinVar:

NM_000237.3(LPL):c.1234G>C (p.Asp412His)

Gene: LPL (lipoprotein lipase; plus strand). Cytogenetic location: 8p21.3.
Variant type: single nucleotide variant.
Coding change: c.1234G>C on transcript NM_000237.3 (MANE Select); coding-DNA position 1234, G replaced by C.
Protein change: p.Asp412His; replaces aspartic acid 412 with histidine.
Molecular consequence: missense variant.
Genome position (GRCh38, 1-based): chr8:19,960,995, G>C. VCF-style: chr8-19960995-G-C. GRCh37 (hg19) VCF-style: chr8-19818506-G-C.
Other names: short protein forms D412H.
Identifiers: ClinVar variation 1756496 (VCV001756496.3), dbSNP rs541991367, ClinGen allele CA4655677.

ClinVar aggregate classification (germline): Uncertain significance. Review status: criteria provided, multiple submitters, no conflicts (2 of 4 stars). 2 submissions from 2 submitters: Uncertain significance (2). Last evaluated 2024-02-13.

Conditions:
Cardiovascular phenotype. Identifiers: MedGen CN230736.

Allele frequency attached by ClinVar (database versions not stated): ExAC 0.00002; TOPMed 0.00002.
gnomAD v4.1: 12 of 1,613,994 alleles (0.00074%); highest among the groups gnomAD compares: African/African-American, 0.015%; no homozygotes.

Submissions (2):

GeneDx
Classification: Uncertain significance. Last evaluated: 2024-02-13. Review status: criteria provided, single submitter. Criteria: GeneDx Variant Classification Process June 2021. Collection method: clinical testing. Allele origin: germline. Affected: yes.
Comment: Has not been previously published as pathogenic or benign to our knowledge; Not observed at significant frequency in large population cohorts (gnomAD); In silico analysis supports that this missense variant does not alter protein structure/function

Ambry Genetics
Classification: Uncertain significance for Cardiovascular phenotype. Last evaluated: 2022-01-30. Review status: criteria provided, single submitter. Criteria: Ambry Variant Classification Scheme 2023. Collection method: clinical testing. Allele origin: germline.
Comment: The p.D412H variant (also known as c.1234G>C), located in coding exon 8 of the LPL gene, results from a G to C substitution at nucleotide position 1234. The aspartic acid at codon 412 is replaced by histidine, an amino acid with similar properties. This amino acid position is conserved. In addition, the in silico prediction for this alteration is inconclusive. Since supporting evidence is limited at this time, the clinical significance of this alteration remains unclear.